The following is an entry in ClinVar:

ClinVar aggregate classification (germline): Pathogenic (1 of 4 stars; one submission).

Conditions:
Periventricular nodular heterotopia 8. Identifiers: MedGen C4748602, MONDO:0032588, OMIM 618185.

Submission:

Groupe Hospitalier Pitie Salpetriere, Uf Genomique Du Developpement, Assistance Publique Hopitaux de Paris Sorbonne Université
Classification: Pathogenic for Periventricular nodular heterotopia 8. Last evaluated: 2022-03-12. Review status: criteria provided, single submitter. Criteria: ACMG Guidelines, 2015. Collection method: clinical testing. Allele origin: de novo. Affected: yes.
Comment: PS2, PS3, PM2, PP2, PP3

NM_001658.4(ARF1):c.151T>C (p.Phe51Leu)

Genes: ARF1 (ARF GTPase 1; plus strand), LOC126806039 (CDK7 strongly-dependent group 2 enhancer GRCh37_chr1:228284937-228286136; plus strand). Cytogenetic location: 1q42.13.
Variant type: single nucleotide variant.
Coding change: c.151T>C on transcript NM_001658.4 (MANE Select); coding-DNA position 151, T replaced by C.
Protein change: p.Phe51Leu; replaces phenylalanine 51 with leucine.
Molecular consequence: missense variant.
Genome position (GRCh38, 1-based): chr1:228,097,344, T>C. VCF-style: chr1-228097344-T-C. GRCh37 (hg19) VCF-style: chr1-228285045-T-C.
Other names: c.151T>C, p.Phe51Leu (NM_001024226.2, NM_001024227.1, NM_001024228.2); short protein forms F51L.
Identifiers: ClinVar variation 1343803 (VCV001343803.1), dbSNP rs2124857424, ClinGen allele CA345077966.